The following is an entry in ClinVar:

ClinVar aggregate classification (germline): Pathogenic. Review status: criteria provided, multiple submitters, no conflicts (2 of 4 stars). 3 submissions from 3 submitters: Pathogenic (2). 1 of the submissions does not count toward it. Last evaluated 2022-08-10.

Conditions:
Joubert syndrome 21 (JBTS21). Identifiers: MedGen C3810212, MONDO:0014288, OMIM 615636.

Allele frequency attached by ClinVar (database versions not stated): gnomAD exomes below 0.00001; TOPMed below 0.00001.

Submissions (3):

Labcorp Genetics (formerly Invitae), Labcorp
Classification: Pathogenic for Joubert syndrome 21. Last evaluated: 2022-08-10. Review status: criteria provided, single submitter. Criteria: Invitae Variant Classification Sherloc (09022015). Collection method: clinical testing. Allele origin: germline.
Comment: This sequence change creates a premature translational stop signal (p.Tyr1071*) in the CSPP1 gene. It is expected to result in an absent or disrupted protein product. Loss-of-function variants in CSPP1 are known to be pathogenic (PMID: 24360807, 24360808). This variant is not present in population databases (gnomAD no frequency). This premature translational stop signal has been observed in individual(s) with Joubert syndrome and related disorders (PMID: 24360808). ClinVar contains an entry for this variant (Variation ID: 100669). For these reasons, this variant has been classified as Pathogenic.

UW Hindbrain Malformation Research Program, University of Washington
Classification: Pathogenic for Joubert syndrome 21. Last evaluated: 2015-02-23. Review status: criteria provided, single submitter. Criteria: Bachmann-Gagescu et al. (J Med Genet. 2015). Collection method: research. Allele origin: unknown. Affected: yes.

OMIM
Classification: Pathogenic for JOUBERT SYNDROME 21. Last evaluated: 2014-01-02. Review status: no assertion criteria provided. Collection method: literature only. Allele origin: germline. Not counted in ClinVar's aggregate classification.

Literature cited by the submitters: PubMed 24360807 (cited by Labcorp Genetics (formerly Invitae), Labcorp); PubMed 24360808 (cited by Labcorp Genetics (formerly Invitae), Labcorp and OMIM).

NM_001382391.1(CSPP1):c.3227dup (p.Tyr1076Ter)

Genes: ARFGEF1 (ARF guanine nucleotide exchange factor 1; minus strand), CSPP1 (centrosome and spindle pole associated protein 1; plus strand). Cytogenetic location: 8q13.2.
Variant type: Duplication.
Coding change: c.3227dup on transcript NM_001382391.1 (MANE Select); coding-DNA position 3227, one base duplicated (A; older notation c.3227dupA).
Protein change: p.Tyr1076Ter; replaces tyrosine 1076 with a stop codon.
Molecular consequence: nonsense. On other transcripts: intron variant (2).
Genome position (GRCh38, 1-based): chr8:67,190,656, A duplicated. VCF-style (leftmost placement, unchanged base first): chr8-67190655-T-TA. GRCh37 (hg19) VCF-style: chr8-68102890-T-TA.
Other names: c.3212dupA (NM_024790.6); c.2177dup, p.Tyr726Ter (NM_001291339.2); c.3146dup, p.Tyr1049Ter (NM_001363131.2); c.3032dup, p.Tyr1011Ter (NM_001363132.2); c.2951dup, p.Tyr984Ter (NM_001363133.2); c.3293dup, p.Tyr1098Ter (NM_001364869.1); c.3113dup, p.Tyr1038Ter (NM_001364870.1); c.3059dup, p.Tyr1020Ter (NM_001438330.1); and 4 more; short protein forms Y1038*, Y1098*, Y984*, Y1011*, Y1049*, Y726*, Y1071*, Y1076*.
Identifiers: ClinVar variation 100669 (VCV000100669.7), dbSNP rs587777141, ClinGen allele CA150609.